The following is an entry in ClinVar:

ClinVar aggregate classification (germline): Likely benign. Review status: criteria provided, multiple submitters, no conflicts (2 of 4 stars). 3 submissions from 3 submitters: Likely benign (2). 1 of the submissions does not count toward it. Last evaluated 2025-11-29.

Conditions:
Cerebral palsy, spastic quadriplegic, 2 (CPSQ2). Identifiers: Orphanet 210141, MedGen C2752061, MONDO:0013033, OMIM 612900.
KANK1-related disorder. Also called: KANK1-related condition.

Allele frequency attached by ClinVar (database versions not stated): gnomAD exomes 0.00003 and 0.00006; ExAC 0.00010; 1000 Genomes Project 30x 0.00016; gnomAD 0.00024 and 0.00026; TOPMed 0.00033; ESP Exome Variant Server 0.00038.
gnomAD v4.1: 76 of 1,613,906 alleles (0.0047%); highest among the groups gnomAD compares: African/African-American, 0.092%; no homozygotes.

Submissions (3):

Labcorp Genetics (formerly Invitae), Labcorp
Classification: Likely benign. Last evaluated: 2025-11-29. Review status: criteria provided, single submitter. Criteria: Invitae Variant Classification Sherloc (09022015). Collection method: clinical testing. Allele origin: germline.

Fulgent Genetics
Classification: Likely benign for Cerebral palsy, spastic quadriplegic, 2. Last evaluated: 2022-04-21. Review status: criteria provided, single submitter. Criteria: ACMG Guidelines, 2015. Collection method: clinical testing. Allele origin: unknown.

PreventionGenetics, part of Exact Sciences
Classification: Likely benign for KANK1-related condition. Last evaluated: 2023-01-27. Review status: no assertion criteria provided. Collection method: clinical testing. Allele origin: germline. Not counted in ClinVar's aggregate classification.
Comment: This variant is classified as likely benign based on ACMG/AMP sequence variant interpretation guidelines (Richards et al. 2015 PMID: 25741868, with internal and published modifications).

NM_015158.5(KANK1):c.2091C>T (p.Asn697=)

Gene: KANK1 (KN motif and ankyrin repeat domains 1; plus strand). Cytogenetic location: 9p24.3.
Variant type: single nucleotide variant.
Coding change: c.2091C>T on transcript NM_015158.5 (MANE Select); coding-DNA position 2091, C replaced by T.
Protein change: p.Asn697=; no amino-acid change (asparagine 697 retained).
Molecular consequence: synonymous variant. On other transcripts: non-coding transcript variant (1).
Genome position (GRCh38, 1-based): chr9:712,857, C>T. VCF-style: chr9-712857-C-T. GRCh37 (hg19) VCF-style: chr9-712857-C-T.
Other names: c.2091C>T, p.Asn697= (NM_001256876.3, NM_001256877.3, NM_001354331.2 and 2 more transcripts); c.1617C>T, p.Asn539= (NM_001354333.2, NM_001354335.2, NM_001354336.2 and 9 more transcripts).
Identifiers: ClinVar variation 749696 (VCV000749696.12), dbSNP rs34038073, ClinGen allele CA4960417.